The following is an entry in ClinVar:

ClinVar aggregate classification (germline): Likely pathogenic. Review status: criteria provided, multiple submitters, no conflicts (2 of 4 stars). 3 submissions from 3 submitters: Likely pathogenic (3). Last evaluated 2025-12-30.

Conditions:
Arginase deficiency. Also called: ARGININEMIA; ARG1 DEFICIENCY; Arginase 1 Deficiency. Identifiers: Orphanet 90, MedGen C0268548, MONDO:0008814, OMIM 207800.

Allele frequency attached by ClinVar (database versions not stated): gnomAD 0.00001; TOPMed 0.00002; gnomAD exomes 0.00001.
gnomAD v4.1: 10 of 1,613,950 alleles (0.00062%); highest among the groups gnomAD compares: Middle Eastern, 0.016%; no homozygotes.

Submissions (3):

Myriad Genetics, Inc.
Classification: Likely pathogenic for Arginase deficiency. Last evaluated: 2025-12-30. Review status: criteria provided, single submitter. Criteria: Myriad Autosomal Dominant, Autosomal Recessive and X-Linked Classification Criteria (2023). Collection method: clinical testing. Allele origin: unknown.
Comment: NM_000045.3(ARG1):c.922C>T(R308W) is a missense variant classified as likely pathogenic in the context of argininemia. R308W has been observed in a case with relevant disease (PMID: (35558983). Relevant functional assessments of this variant are not available in the literature. Internal structural analysis of the variant is supportive of pathogenicity. R308W has been observed in referenced population frequency databases. In summary, NM_000045.3(ARG1):c.922C>T(R308W) is a missense variant that has internal structural support for pathogenicity and has been observed more frequently in cases with the relevant disease than in healthy populations. Please note: this variant was assessed in the context of healthy population screening.

Women's Health and Genetics/Laboratory Corporation of America, LabCorp
Classification: Likely pathogenic for Arginase deficiency. Last evaluated: 2024-06-24. Review status: criteria provided, single submitter. Criteria: LabCorp Variant Classification Summary - May 2015. Collection method: clinical testing. Allele origin: germline.
Comment: Variant summary: ARG1 c.922C>T (p.Arg308Trp) results in a non-conservative amino acid change in the encoded protein sequence. Five of five in-silico tools predict a damaging effect of the variant on protein function. The variant was absent in 251066 control chromosomes. c.922C>T has been reported in the literature in the compound heterozygous state in at least 1 individual affected with Arginase Deficiency (example, Cui_2022), including at least 1 individual carrying a pathogenic variant in trans. These data do not allow any conclusion about variant significance. A different variant affecting the same codon has been classified as pathogenic by our lab (c.923G>A, p.Arg308Gln), supporting the critical relevance of codon 308 to ARG1 protein function. To our knowledge, no experimental evidence demonstrating an impact on protein function has been reported. The following publication has been ascertained in the context of this evaluation (PMID: 35558983). ClinVar contains an entry for this variant (Variation ID: 1012110). Based on the evidence outlined above, the variant was classified as likely pathogenic.

Labcorp Genetics (formerly Invitae), Labcorp
Classification: Likely pathogenic for Arginase deficiency. Last evaluated: 2024-06-03. Review status: criteria provided, single submitter. Criteria: Invitae Variant Classification Sherloc (09022015). Collection method: clinical testing. Allele origin: germline.
Comment: This sequence change replaces arginine, which is basic and polar, with tryptophan, which is neutral and slightly polar, at codon 308 of the ARG1 protein (p.Arg308Trp). This variant is present in population databases (no rsID available, gnomAD 0.01%). This missense change has been observed in individual(s) with clinical features of arginase deficiency (Invitae). ClinVar contains an entry for this variant (Variation ID: 1012110). An algorithm developed to predict the effect of missense changes on protein structure and function (PolyPhen-2) suggests that this variant is likely to be disruptive. This variant disrupts the p.Arg308 amino acid residue in ARG1. Other variant(s) that disrupt this residue have been determined to be pathogenic (PMID: 22959135). This suggests that this residue is clinically significant, and that variants that disrupt this residue are likely to be disease-causing. In summary, the currently available evidence indicates that the variant is pathogenic, but additional data are needed to prove that conclusively. Therefore, this variant has been classified as Likely Pathogenic.

Literature cited by the submitters: PubMed 35558983 (cited by Women's Health and Genetics/Laboratory Corporation of America, LabCorp); PubMed 22959135 (cited by Labcorp Genetics (formerly Invitae), Labcorp).

NM_000045.4(ARG1):c.922C>T (p.Arg308Trp)

Genes: ARG1 (arginase 1; plus strand), MED23 (mediator complex subunit 23; minus strand). Cytogenetic location: 6q23.2.
Variant type: single nucleotide variant.
Coding change: c.922C>T on transcript NM_000045.4 (MANE Select); coding-DNA position 922, C replaced by T.
Protein change: p.Arg308Trp; replaces arginine 308 with tryptophan.
Molecular consequence: missense variant. On other transcripts: non-coding transcript variant (1), intron variant (2).
Genome position (GRCh38, 1-based): chr6:131,583,861, C>T. VCF-style: chr6-131583861-C-T. GRCh37 (hg19) VCF-style: chr6-131905001-C-T.
Other names: c.946C>T, p.Arg316Trp (NM_001244438.2); c.667C>T, p.Arg223Trp (NM_001369020.1); c.4077+3848G>A (NM_001270521.2); c.4095+3848G>A (NM_015979.4); short protein forms R223W, R308W, R316W.
Identifiers: ClinVar variation 1012110 (VCV001012110.9), dbSNP rs897222563, ClinGen allele CA147898933.